The following is an entry in ClinVar:

NM_006237.4(POU4F1):c.861C>A (p.Ala287=)

Genes: OBI1-AS1 (OBI1 antisense RNA 1; plus strand), POU4F1 (POU class 4 homeobox 1; minus strand). Cytogenetic location: 13q31.1.
Variant type: single nucleotide variant.
Coding change: c.861C>A on transcript NM_006237.4 (MANE Select); coding-DNA position 861, C replaced by A.
Protein change: p.Ala287=; no amino-acid change (alanine 287 retained).
Molecular consequence: synonymous variant.
Genome position (GRCh38, 1-based): chr13:78,601,814, G>T on the plus strand (C>A on the coding strand, the complement: POU4F1 is on the minus strand). VCF-style: chr13-78601814-G-T. GRCh37 (hg19) VCF-style: chr13-79175949-G-T.
Identifiers: ClinVar variation 3771506 (VCV003771506.13).

ClinVar aggregate classification (germline): Likely benign (1 of 4 stars; one submission).

gnomAD v4.1: 219 of 1,611,436 alleles (0.014%); highest among the groups gnomAD compares: East Asian, 0.48%; 1 homozygote.

Submission:

CeGaT Center for Human Genetics Tuebingen
Classification: Likely benign. Last evaluated: 2025-02-01. Review status: criteria provided, single submitter. Criteria: CeGaT Center For Human Genetics Tuebingen Variant Classification Criteria Version 2. Collection method: clinical testing. Allele origin: germline. Affected: yes. Observed: 1 variant allele.
Comment: POU4F1: BP4, BP7